The following is an entry in ClinVar:

NM_001709.5(BDNF):c.273G>A (p.Thr91=)

Genes: BDNF (brain derived neurotrophic factor; minus strand), BDNF-AS (BDNF antisense RNA; plus strand). Cytogenetic location: 11p14.1.
Variant type: single nucleotide variant.
Coding change: c.273G>A on transcript NM_001709.5 (MANE Select); coding-DNA position 273, G replaced by A.
Protein change: p.Thr91=; no amino-acid change (threonine 91 retained).
Molecular consequence: synonymous variant. On other transcripts: non-coding transcript variant (5).
Genome position (GRCh38, 1-based): chr11:27,658,292, C>T on the plus strand (G>A on the coding strand, the complement: BDNF is on the minus strand). VCF-style: chr11-27658292-C-T. GRCh37 (hg19) VCF-style: chr11-27679839-C-T.
Other names: c.273G>A, p.Thr91= (NM_001143805.1, NM_001143806.1, NM_001143807.2 and 9 more transcripts); c.360G>A, p.Thr120= (NM_001143809.2); c.519G>A, p.Thr173= (NM_001143810.2); c.297G>A, p.Thr99= (NM_170731.5); c.318G>A, p.Thr106= (NM_170734.4); c.519G>A (NM_001143810.1).
Identifiers: ClinVar variation 1572707 (VCV001572707.10), dbSNP rs150767807, ClinGen allele CA5929112.

ClinVar aggregate classification (germline): Likely benign. Review status: criteria provided, single submitter (1 of 4 stars). 2 submissions from 2 submitters: Likely benign (1). 1 of the submissions does not count toward it. Last evaluated 2025-08-22.

Conditions:
BDNF-related disorder. Also called: BDNF-related condition.

Allele frequency attached by ClinVar (database versions not stated): gnomAD exomes 0.00014 and 0.00015; ESP Exome Variant Server 0.00015; ExAC 0.00016; gnomAD 0.00018 and 0.00019; TOPMed 0.00019; 1000 Genomes Project 0.00020; 1000 Genomes Project 30x 0.00031.
gnomAD v4.1: 237 of 1,614,080 alleles (0.015%); highest among the groups gnomAD compares: Middle Eastern, 0.082%; 1 homozygote.

Submissions (2):

Labcorp Genetics (formerly Invitae), Labcorp
Classification: Likely benign. Last evaluated: 2025-08-22. Review status: criteria provided, single submitter. Criteria: Invitae Variant Classification Sherloc (09022015). Collection method: clinical testing. Allele origin: germline.

PreventionGenetics, part of Exact Sciences
Classification: Likely benign for BDNF-related condition. Last evaluated: 2021-05-25. Review status: no assertion criteria provided. Collection method: clinical testing. Allele origin: germline. Not counted in ClinVar's aggregate classification.
Comment: This variant is classified as likely benign based on ACMG/AMP sequence variant interpretation guidelines (Richards et al. 2015 PMID: 25741868, with internal and published modifications).